The following is an entry in ClinVar:

ClinVar aggregate classification (germline): Uncertain significance. Review status: criteria provided, multiple submitters, no conflicts (2 of 4 stars). 3 submissions from 3 submitters: Uncertain significance (3). Last evaluated 2026-08-19.

Conditions:
Hereditary cancer-predisposing syndrome. Also called: Neoplastic Syndromes, Hereditary; Hereditary neoplastic syndrome; Hereditary Cancer Syndrome; Tumor predisposition. Identifiers: Orphanet 140162, MedGen C0027672, MeSH D009386, MONDO:0015356.
Hereditary nonpolyposis colorectal neoplasms. Identifiers: MedGen C0009405, MeSH D003123.

Submissions (3):

Ambry Genetics
Classification: Uncertain significance for Hereditary cancer-predisposing syndrome. Last evaluated: 2026-08-19. Review status: criteria provided, single submitter. Criteria: Ambry Variant Classification Scheme 2023. Collection method: clinical testing. Allele origin: germline.
Comment: The p.G1299S variant (also known as c.3895G>A), located in coding exon 9 of the MSH6 gene, results from a G to A substitution at nucleotide position 3895. The glycine at codon 1299 is replaced by serine, an amino acid with similar properties. This amino acid position is highly conserved in available vertebrate species. In addition, this alteration is predicted to be deleterious by in silico analysis. Based on the available evidence, the clinical significance of this variant remains unclear.

Color Diagnostics, LLC DBA Color Health
Classification: Uncertain significance for Hereditary cancer-predisposing syndrome. Last evaluated: 2024-03-06. Review status: criteria provided, single submitter. Criteria: ACMG Guidelines, 2015. Collection method: clinical testing. Allele origin: germline.
Comment: This missense variant replaces glycine with serine at codon 1299 of the MSH6 protein. Computational prediction suggests that this variant may have deleterious impact on protein structure and function (internally defined REVEL score threshold >= 0.7, PMID: 27666373). To our knowledge, functional studies have not been reported for this variant. This variant has not been reported in individuals affected with hereditary cancer in the literature. This variant has not been identified in the general population by the Genome Aggregation Database (gnomAD). The available evidence is insufficient to determine the role of this variant in disease conclusively. Therefore, this variant is classified as a Variant of Uncertain Significance.

Labcorp Genetics (formerly Invitae), Labcorp
Classification: Uncertain significance for Hereditary nonpolyposis colorectal neoplasms. Last evaluated: 2017-10-04. Review status: criteria provided, single submitter. Criteria: Invitae Variant Classification Sherloc (09022015). Collection method: clinical testing. Allele origin: germline.
Comment: This sequence change replaces glycine with serine at codon 1299 of the MSH6 protein (p.Gly1299Ser). The glycine residue is highly conserved and there is a small physicochemical difference between glycine and serine. This variant is not present in population databases (ExAC no frequency). This variant has not been reported in the literature in individuals with MSH6-related disease. Algorithms developed to predict the effect of missense changes on protein structure and function (SIFT, PolyPhen-2, Align-GVGD) all suggest that this variant is likely to be disruptive, but these predictions have not been confirmed by published functional studies and their clinical significance is uncertain. In summary, the available evidence is currently insufficient to determine the role of this variant in disease. Therefore, it has been classified as a Variant of Uncertain Significance.

NM_000179.3(MSH6):c.3895G>A (p.Gly1299Ser)

Gene: MSH6 (mutS homolog 6; plus strand). Cytogenetic location: 2p16.3.
Variant type: single nucleotide variant.
Coding change: c.3895G>A on transcript NM_000179.3 (MANE Select); coding-DNA position 3895, G replaced by A.
Protein change: p.Gly1299Ser; replaces glycine 1299 with serine.
Molecular consequence: missense variant.
Genome position (GRCh38, 1-based): chr2:47,806,545, G>A. VCF-style: chr2-47806545-G-A. GRCh37 (hg19) VCF-style: chr2-48033684-G-A.
Other names: c.3505G>A, p.Gly1169Ser (NM_001281492.2); c.2989G>A, p.Gly997Ser (NM_001281493.2, NM_001281494.2); short protein forms G1299S, G997S, G1169S.
Identifiers: ClinVar variation 479946 (VCV000479946.16), dbSNP rs1553333534, ClinGen allele CA346761407.